The following is an entry in ClinVar:

NM_144670.6(A2ML1):c.143G>A (p.Ser48Asn)

Genes: A2ML1 (alpha-2-macroglobulin like 1; plus strand), A2ML1-AS1 (A2ML1 antisense RNA 1; minus strand). Cytogenetic location: 12p13.31.
Variant type: single nucleotide variant.
Coding change: c.143G>A on transcript NM_144670.6 (MANE Select); coding-DNA position 143, G replaced by A.
Protein change: p.Ser48Asn; replaces serine 48 with asparagine.
Molecular consequence: missense variant.
Genome position (GRCh38, 1-based): chr12:8,823,262, G>A. VCF-style: chr12-8823262-G-A. GRCh37 (hg19) VCF-style: chr12-8975858-G-A.
Other names: short protein forms S48N.
Identifiers: ClinVar variation 4857868 (VCV004857868.1).

ClinVar aggregate classification (germline): Uncertain significance (1 of 4 stars; one submission).

gnomAD v4.1: 2 of 1,614,012 alleles (0.00012%); highest among the groups gnomAD compares: Admixed American, 0.0033%; no homozygotes.

Submission:

Ambry Genetics
Classification: Uncertain significance. Last evaluated: 2026-04-12. Review status: criteria provided, single submitter. Criteria: Ambry Variant Classification Scheme 2023. Collection method: clinical testing. Allele origin: germline.
Comment: The p.S48N variant (also known as c.143G>A), located in coding exon 2 of the A2ML1 gene, results from a G to A substitution at nucleotide position 143. The serine at codon 48 is replaced by asparagine, an amino acid with highly similar properties. This amino acid position is conserved. In addition, this alteration is predicted to be tolerated by in silico analysis. Based on the available evidence, the clinical significance of this variant remains unclear.